The following is an entry in ClinVar:

NM_017739.4(POMGNT1):c.292dup (p.Val98fs)

Gene: POMGNT1 (protein O-linked mannose N-acetylglucosaminyltransferase 1 (beta 1,2-); minus strand). Cytogenetic location: 1p34.1.
Variant type: Duplication.
Coding change: c.292dup on transcript NM_017739.4 (MANE Select); coding-DNA position 292, one base duplicated (G; older notation c.292dupG).
Protein change: p.Val98fs; shifts the reading frame from valine 98.
Molecular consequence: frameshift variant. On other transcripts: 5 prime UTR variant (1).
Genome position (GRCh38, 1-based): chr1:46,196,793, C duplicated on the plus strand (G on the coding strand, the reverse complement: POMGNT1 is on the minus strand); the first of 3 consecutive C bases (chr1:46,196,793-46,196,795); duplicating any one gives the same sequence. VCF-style (leftmost placement, unchanged base first): chr1-46196792-A-AC. GRCh37 (hg19) VCF-style: chr1-46662464-A-AC.
Other names: c.292dup, p.Val98fs (NM_001243766.2, NM_001410783.1, NM_001437653.1 and 3 more transcripts); c.226dup, p.Val76fs (NM_001290129.3, NM_001438691.1, NM_001438692.1); c.-138dup (NM_001290130.2); short protein forms V76fs, V98fs.
Identifiers: ClinVar variation 5011764 (VCV005011764.1).

ClinVar aggregate classification (germline): Pathogenic (1 of 4 stars; one submission).

Conditions:
Myopathy caused by variation in POMGNT1. Identifiers: MedGen CN305639, MONDO:0700068.

Submission:

Myriad Genetics, Inc.
Classification: Pathogenic for Myopathy caused by variation in POMGNT1. Last evaluated: 2023-09-27. Review status: criteria provided, single submitter. Criteria: Myriad Autosomal Dominant, Autosomal Recessive and X-Linked Classification Criteria (2023). Collection method: clinical testing. Allele origin: unknown.
Comment: NM_017739.3(POMGNT1):c.292dupG(V98Gfs*26) is expected to be pathogenic in the context of POMGNT1-related disorders. This variant is predicted to lead to an abnormal or absent protein product due to the creation of a premature termination codon in POMGNT1, a gene where loss-of-function variants are known to be pathogenic. Please note: this variant was assessed in the context of healthy population screening.